The following is an entry in ClinVar:

NM_030780.5(SLC25A32):c.7GGCCAG[3] (p.Gln6_Ser7insGlyGln)

Gene: SLC25A32 (solute carrier family 25 member 32; minus strand). Cytogenetic location: 8q22.3.
Variant type: Microsatellite.
Coding change: c.7GGCCAG[3] on transcript NM_030780.5 (MANE Select); three copies in a row of the 6-base unit GGCCAG starting at c.7; the reference has two copies in a row; one copy, 6 bases duplicated.
Protein change: p.Gln6_Ser7insGlyGln.
Molecular consequence: non-coding transcript variant (on NR_102337.2).
Genome position (GRCh38, 1-based): chr8:103,414,920-103,414,925, CTGGCC duplicated on the plus strand (GGCCAG on the coding strand, the reverse complement: SLC25A32 is on the minus strand); duplicating any 6 consecutive bases within chr8:103,414,920-103,414,932 gives the same sequence; the position shown is the placement nearest the transcript's 3' end. VCF-style (leftmost placement, unchanged base first): chr8-103414919-A-ACTGGCC. GRCh37 (hg19) VCF-style: chr8-104427147-A-ACTGGCC.
Identifiers: ClinVar variation 2181763 (VCV002181763.4), dbSNP rs766544817, ClinGen allele CA4835598.

ClinVar aggregate classification (germline): Uncertain significance (1 of 4 stars; one submission).

Submission:

Labcorp Genetics (formerly Invitae), Labcorp
Classification: Uncertain significance. Last evaluated: 2025-03-30. Review status: criteria provided, single submitter. Criteria: Invitae Variant Classification Sherloc (09022015). Collection method: clinical testing. Allele origin: germline.
Comment: This variant, c.13_18dup, results in the insertion of 2 amino acid(s) of the SLC25A32 protein (p.Gly5_Gln6dup), but otherwise preserves the integrity of the reading frame. This variant is present in population databases (rs766544817, gnomAD 0.03%). This variant has not been reported in the literature in individuals affected with SLC25A32-related conditions. Experimental studies and prediction algorithms are not available or were not evaluated, and the functional significance of this variant is currently unknown. In summary, the available evidence is currently insufficient to determine the role of this variant in disease. Therefore, it has been classified as a Variant of Uncertain Significance.